The following is an entry in ClinVar:

ClinVar aggregate classification (germline): Conflicting classifications of pathogenicity. Review status: criteria provided, conflicting classifications (1 of 4 stars). 7 submissions from 3 submitters: Uncertain significance (5); Likely benign (2). Last evaluated 2023-10-02.

Conditions:
Early-onset myopathy with fatal cardiomyopathy (CMYO5). Also called: CONGENITAL MYOPATHY 5 WITH CARDIOMYOPATHY; Salih Myopathy. Identifiers: Orphanet 289377, MedGen C2673677, MONDO:0012714, OMIM 611705. Disease mechanism: loss of function.
Autosomal recessive limb-girdle muscular dystrophy type 2J (LGMDR10). Also called: Limb-girdle muscular dystrophy, type 2J; MUSCULAR DYSTROPHY, LIMB-GIRDLE, AUTOSOMAL RECESSIVE 10. Identifiers: Orphanet 140922, MedGen C1837342, MONDO:0012127, OMIM 608807.
Myopathy, myofibrillar, 9, with early respiratory failure (MFM9). Also called: EDSTROM MYOPATHY; MYOPATHY, PROXIMAL, WITH EARLY RESPIRATORY MUSCLE INVOLVEMENT; Myopathy, distal, with early respiratory failure, autosomal dominant; Hereditary myopathy with early respiratory failure. Identifiers: Orphanet 178464, Orphanet 34521, MedGen C1863599, MONDO:0011362, OMIM 603689.
Tibial muscular dystrophy (TMD). Also called: Tibial muscular dystrophy, tardive; UDD MYOPATHY; Udd Distal Myopathy – Tibial Muscular Dystrophy. Identifiers: Orphanet 609, MedGen C1838244, MONDO:0010870, OMIM 600334.
Dilated cardiomyopathy 1G (CMD1G). Identifiers: Orphanet 154, MedGen C1858763, MONDO:0011400, OMIM 604145.
TTN-related disorder. Also called: TTN-related disorders; TTN-related condition; TTN-related disease.

Allele frequency attached by ClinVar (database versions not stated): TOPMed 0.00001; ExAC 0.00002; gnomAD 0.00001; gnomAD exomes 0.00001.
gnomAD v4.1: 15 of 1,611,614 alleles (0.00093%); highest among the groups gnomAD compares: African/African-American, 0.0027%; no homozygotes.

Submissions (7):

PreventionGenetics, part of Exact Sciences
Classification: Uncertain significance for TTN-related condition. Last evaluated: 2023-10-02. Review status: criteria provided, single submitter. Criteria: ACMG Guidelines, 2015. Collection method: clinical testing. Allele origin: germline.
Comment: The TTN c.55291G>A variant is predicted to result in the amino acid substitution p.Glu18431Lys. To our knowledge, this variant has not been reported in the literature. This variant is reported in 0.010% of alleles in individuals of Ashkenazi Jewish descent in gnomAD. At this time, the clinical significance of this variant is uncertain due to the absence of conclusive functional and genetic evidence.

Revvity Omics, Revvity
Classification: Uncertain significance. Last evaluated: 2022-04-13. Review status: criteria provided, single submitter. Criteria: ACMG Guidelines, 2015. Collection method: clinical testing. Allele origin: germline.

Illumina Laboratory Services, Illumina
Classification: Likely benign for Tibial muscular dystrophy. Last evaluated: 2018-01-13. Review status: criteria provided, single submitter. Criteria: ICSL Variant Classification Criteria 13 December 2019. Collection method: clinical testing. Allele origin: germline.
Comment: This variant was observed in the ICSL laboratory as part of a predisposition screen in an ostensibly healthy population. It had not been previously curated by ICSL or reported in the Human Gene Mutation Database (HGMD: prior to June 1st, 2018), and was therefore a candidate for classification through an automated scoring system. Utilizing variant allele frequency, disease prevalence and penetrance estimates, and inheritance mode, an automated score was calculated to assess if this variant is too frequent to cause the disease. Based on the score and internal cut-off values, a variant classified as likely benign is not then subjected to further curation. The score for this variant resulted in a classification of likely benign for this disease.

Illumina Laboratory Services, Illumina
Classification: Uncertain significance for Early-onset myopathy with fatal cardiomyopathy. Last evaluated: 2018-01-13. Review status: criteria provided, single submitter. Criteria: ICSL Variant Classification Criteria 13 December 2019. Collection method: clinical testing. Allele origin: germline.

Illumina Laboratory Services, Illumina
Classification: Uncertain significance for Dilated cardiomyopathy 1G. Last evaluated: 2018-01-13. Review status: criteria provided, single submitter. Criteria: ICSL Variant Classification Criteria 13 December 2019. Collection method: clinical testing. Allele origin: germline.

Illumina Laboratory Services, Illumina
Classification: Likely benign for Myopathy, myofibrillar, 9, with early respiratory failure. Last evaluated: 2018-01-13. Review status: criteria provided, single submitter. Criteria: ICSL Variant Classification Criteria 13 December 2019. Collection method: clinical testing. Allele origin: germline.
Comment: the same text as in the submission from Illumina Laboratory Services, Illumina above.

Illumina Laboratory Services, Illumina
Classification: Uncertain significance for Autosomal recessive limb-girdle muscular dystrophy type 2J. Last evaluated: 2018-01-13. Review status: criteria provided, single submitter. Criteria: ICSL Variant Classification Criteria 13 December 2019. Collection method: clinical testing. Allele origin: germline.

NM_001267550.2(TTN):c.55291G>A (p.Glu18431Lys)

Genes: TTN (titin; minus strand), TTN-AS1 (TTN antisense RNA 1; plus strand). Cytogenetic location: 2q31.2.
Variant type: single nucleotide variant.
Coding change: c.55291G>A on transcript NM_001267550.2 (MANE Select); coding-DNA position 55291, G replaced by A.
Protein change: p.Glu18431Lys; replaces glutamic acid 18431 with lysine.
Molecular consequence: missense variant.
Genome position (GRCh38, 1-based): chr2:178,601,893, C>T on the plus strand (G>A on the coding strand, the complement: TTN is on the minus strand). VCF-style: chr2-178601893-C-T. GRCh37 (hg19) VCF-style: chr2-179466620-C-T.
Other names: c.50368G>A, p.Glu16790Lys (NM_001256850.1); c.28096G>A, p.Glu9366Lys (NM_003319.4); c.47587G>A, p.Glu15863Lys (NM_133378.4); c.28471G>A, p.Glu9491Lys (NM_133432.3); c.28672G>A, p.Glu9558Lys (NM_133437.4); short protein forms E9491K, E16790K, E18431K, E9558K, E15863K, E9366K.
Identifiers: ClinVar variation 892586 (VCV000892586.7), dbSNP rs756341923, ClinGen allele CA1993494.